The following is an entry in ClinVar:

ClinVar aggregate classification (germline): Conflicting classifications of pathogenicity. Review status: criteria provided, conflicting classifications (1 of 4 stars). 7 submissions from 7 submitters: Uncertain significance (6); Likely benign (1). Last evaluated 2026-03-20.

Conditions:
Hereditary nonpolyposis colorectal neoplasms. Identifiers: MedGen C0009405, MeSH D003123.
Hereditary cancer-predisposing syndrome. Also called: Tumor predisposition; Neoplastic Syndromes, Hereditary; Hereditary Cancer Syndrome; Hereditary neoplastic syndrome. Identifiers: Orphanet 140162, MedGen C0027672, MeSH D009386, MONDO:0015356.
Lynch syndrome. Identifiers: Orphanet 144, MedGen C4552100, MONDO:0005835. Disease mechanism: loss of function.
Endometrial carcinoma. Also called: Endometrial carcinoma, somatic. Identifiers: MedGen C0476089, MONDO:0002447, OMIM 608089, HP:0012114.

Allele frequency attached by ClinVar (database versions not stated): gnomAD exomes below 0.00001.
gnomAD v4.1: 2 of 1,613,872 alleles (0.00012%); highest among the groups gnomAD compares: Admixed American, 0.0017%; no homozygotes.

Submissions (7):

Women's Health and Genetics/Laboratory Corporation of America, LabCorp
Classification: Uncertain significance. Last evaluated: 2026-03-20. Review status: criteria provided, single submitter. Criteria: LabCorp Variant Classification Summary - May 2015. Collection method: clinical testing. Allele origin: germline.
Comment: Variant summary: MSH6 c.3724C>T (p.Arg1242Cys) results in a non-conservative amino acid change in the encoded protein sequence. Algorithms developed to predict the effect of missense changes on protein structure and function all suggest that this variant is likely to be disruptive. The variant allele was found at a frequency of 4e-06 in 251188 control chromosomes (gnomAD). The available data on variant occurrences in the general population are insufficient to allow any conclusion about variant significance. To our knowledge, no occurrence of c.3724C>T in individuals affected with MSH6-related conditions and no experimental evidence demonstrating its impact on protein function have been reported. A different variant affecting the same codon has been classified as pathogenic by our lab (c.3725G>A, p.Arg1242His), supporting the critical relevance of codon 1242 to MSH6 protein function. ClinVar contains an entry for this variant (Variation ID: 232375). Based on the evidence outlined above, the variant was classified as uncertain significance.

Color Diagnostics, LLC DBA Color Health
Classification: Uncertain significance for Hereditary cancer-predisposing syndrome. Last evaluated: 2025-10-07. Review status: criteria provided, single submitter. Criteria: ACMG Guidelines, 2015. Collection method: clinical testing. Allele origin: germline.
Comment: This missense variant replaces arginine with cysteine at codon 1242 of the MSH6 protein. Computational prediction suggests that this variant may have deleterious impact on protein structure and function. To our knowledge, functional studies have not been reported for this variant. This variant has not been reported in individuals affected with MSH6-related disorders in the literature. This variant has been identified in 2/1461606 chromosomes in the general population by the Genome Aggregation Database (gnomAD). Other variants impacting the same codon are considered to be disease-causing (ClinVar Variation ID: 89450, 140866, 455280), suggesting that arginine at this position may be important for the protein function. The available evidence is insufficient to determine the role of this variant in disease conclusively. Therefore, this variant is classified as a Variant of Uncertain Significance.

Labcorp Genetics (formerly Invitae), Labcorp
Classification: Likely benign for Hereditary nonpolyposis colorectal neoplasms. Last evaluated: 2025-10-01. Review status: criteria provided, single submitter. Criteria: Invitae Variant Classification Sherloc (09022015). Collection method: clinical testing. Allele origin: germline.

Ambry Genetics
Classification: Uncertain significance for Hereditary cancer-predisposing syndrome. Last evaluated: 2024-04-30. Review status: criteria provided, single submitter. Criteria: Ambry Variant Classification Scheme 2023. Collection method: clinical testing. Allele origin: germline.
Comment: The p.R1242C variant (also known as c.3724C>T), located in coding exon 8 of the MSH6 gene, results from a C to T substitution at nucleotide position 3724. The arginine at codon 1242 is replaced by cysteine, an amino acid with highly dissimilar properties. This alteration has been identified in an individual diagnosed with diffuse gastric cancer (Henn J et al. Hered Cancer Clin Pract. 2019 Jan;17:5). This amino acid position is highly conserved in available vertebrate species. In addition, this alteration is predicted to be deleterious by in silico analysis. Since supporting evidence is limited at this time, the clinical significance of this alteration remains unclear.

GeneDx
Classification: Uncertain significance. Last evaluated: 2023-08-17. Review status: criteria provided, single submitter. Criteria: GeneDx Variant Classification Process June 2021. Collection method: clinical testing. Allele origin: germline. Affected: yes.
Comment: Not observed at significant frequency in large population cohorts (gnomAD); In silico analysis supports that this missense variant has a deleterious effect on protein structure/function; This variant is associated with the following publications: (PMID: 25111426, 17531815, 21120944, 25186627, 30680046, 30982232, 31204389, 28514183, 24763289)

Baylor Genetics
Classification: Uncertain significance for Endometrial carcinoma. Last evaluated: 2023-05-26. Review status: criteria provided, single submitter. Criteria: ACMG Guidelines, 2015. Collection method: clinical testing. Allele origin: unknown.

All of Us Research Program, National Institutes of Health
Classification: Uncertain significance for Lynch syndrome. Last evaluated: 2023-03-23. Review status: criteria provided, single submitter. Criteria: ACMG Guidelines, 2015. Collection method: clinical testing. Allele origin: germline. Inheritance: Autosomal dominant inheritance. Observed: 1 variant allele, 1 heterozygote.
Comment: This missense variant replaces arginine with cysteine at codon 1242 of the MSH6 protein. Computational prediction suggests that this variant may have deleterious impact on protein structure and function (internally defined REVEL score threshold >= 0.7, PMID: 27666373). To our knowledge, functional studies have not been reported for this variant. This variant has been reported in an individual affected with gastric cancer (PMID: 30680046), and in individuals affected with breast and/or ovarian cancer (PMID: 25186627, 30982232). This variant has been identified in 1/251188 chromosomes in the general population by the Genome Aggregation Database (gnomAD). Different variants affecting the same codon, c.3725G>A (p.Arg1242His), c.3724C>A (p.Arg1242Ser), and c.3724C>G (p.Arg1242Gly), are considered to be disease-causing (ClinVar variation ID: 140866, 89449, 455280), suggesting that arginine at this position is important for the protein function. The available evidence is insufficient to determine the role of this variant in disease conclusively. Therefore, this variant is classified as a Variant of Uncertain Significance.

This study involves interpretation of variants in research participants for the purpose of population health screening. Participant phenotype was not available at the time of variant classification. Additional details can be found in publication PMID: 35346344, PMCID: PMC8962531

Literature cited by the submitters: PubMed 25186627 (cited by Ambry Genetics and All of Us Research Program, National Institutes of Health); PubMed 30680046 (cited by Ambry Genetics and All of Us Research Program, National Institutes of Health); PubMed 30982232 (cited by All of Us Research Program, National Institutes of Health).

NM_000179.3(MSH6):c.3724C>T (p.Arg1242Cys)

Gene: MSH6 (mutS homolog 6; plus strand). Cytogenetic location: 2p16.3.
Variant type: single nucleotide variant.
Coding change: c.3724C>T on transcript NM_000179.3 (MANE Select); coding-DNA position 3724, C replaced by T.
Protein change: p.Arg1242Cys; replaces arginine 1242 with cysteine.
Molecular consequence: missense variant.
Genome position (GRCh38, 1-based): chr2:47,806,281, C>T. VCF-style: chr2-47806281-C-T. GRCh37 (hg19) VCF-style: chr2-48033420-C-T.
Other names: c.3334C>T, p.Arg1112Cys (NM_001281492.2); c.2818C>T, p.Arg940Cys (NM_001281493.2, NM_001281494.2); short protein forms R1242C, R1112C, R940C.
Identifiers: ClinVar variation 232375 (VCV000232375.19), dbSNP rs587779285, ClinGen allele CA10578156.